The following is an entry in ClinVar:

ClinVar aggregate classification (germline): Uncertain significance (1 of 4 stars; one submission).

Allele frequency attached by ClinVar (database versions not stated): gnomAD exomes 0.00001.
gnomAD v4.1: 7 of 1,613,846 alleles (0.00043%); highest among the groups gnomAD compares: Non-Finnish European, 0.00059%; no homozygotes.

Submission:

Labcorp Genetics (formerly Invitae), Labcorp
Classification: Uncertain significance. Last evaluated: 2020-02-18. Review status: criteria provided, single submitter. Criteria: Invitae Variant Classification Sherloc (09022015). Collection method: clinical testing. Allele origin: germline.
Comment: Algorithms developed to predict the effect of missense changes on protein structure and function (SIFT, PolyPhen-2, Align-GVGD) all suggest that this variant is likely to be tolerated, but these predictions have not been confirmed by published functional studies and their clinical significance is uncertain. In summary, the available evidence is currently insufficient to determine the role of this variant in disease. Therefore, it has been classified as a Variant of Uncertain Significance. Algorithms developed to predict the effect of sequence changes on RNA splicing suggest that this variant may create or strengthen a splice site, but this prediction has not been confirmed by published transcriptional studies. This variant has not been reported in the literature in individuals with SZT2-related conditions. This variant is not present in population databases (ExAC no frequency). This sequence change replaces leucine with valine at codon 2877 of the SZT2 protein (p.Leu2877Val). The leucine residue is highly conserved and there is a small physicochemical difference between leucine and valine.

NM_001365999.1(SZT2):c.8800C>G (p.Leu2934Val)

Gene: SZT2 (SZT2 subunit of KICSTOR complex; plus strand). Cytogenetic location: 1p34.2.
Variant type: single nucleotide variant.
Coding change: c.8800C>G on transcript NM_001365999.1 (MANE Select); coding-DNA position 8800, C replaced by G.
Protein change: p.Leu2934Val; replaces leucine 2934 with valine.
Molecular consequence: missense variant.
Genome position (GRCh38, 1-based): chr1:43,443,771, C>G. VCF-style: chr1-43443771-C-G. GRCh37 (hg19) VCF-style: chr1-43909442-C-G.
Other names: c.8629C>G, p.Leu2877Val (NM_015284.4); short protein forms L2877V, L2934V.
Identifiers: ClinVar variation 1007089 (VCV001007089.9), dbSNP rs755756931, ClinGen allele CA21649335.
Genomic context (GRCh38, chr1:43,443,771, plus strand): 5'-TTGGCTTTCCTGCAGCAATATGTGCAGTATCTGCAGAGCATAGGTTTTGTGCTGGTACCA[C>G]TGCGGCCCCCCTCACCCGCCCGCAGGTGAGCCCGTCCCTGTTTTCCCTTCTGTCTTCTCC-3'
Protein context (NP_001352928.1, residues 2924-2944): LQSIGFVLVP[Leu2934Val]RPPSPARSTS